The following is an entry in ClinVar:

ClinVar aggregate classification (germline): Likely benign. Review status: criteria provided, multiple submitters, no conflicts (2 of 4 stars). 2 submissions from 2 submitters: Likely benign (2). Last evaluated 2025-12-08.

Allele frequency attached by ClinVar (database versions not stated): TOPMed 0.00001; ExAC 0.00003; 1000 Genomes Project 30x 0.00016; 1000 Genomes Project 0.00020.
gnomAD v4.1: 30 of 1,593,498 alleles (0.0019%); highest among the groups gnomAD compares: Non-Finnish European, 0.0025%; no homozygotes.

Submissions (2):

Labcorp Genetics (formerly Invitae), Labcorp
Classification: Likely benign. Last evaluated: 2025-12-08. Review status: criteria provided, single submitter. Criteria: Invitae Variant Classification Sherloc (09022015). Collection method: clinical testing. Allele origin: germline.

CeGaT Center for Human Genetics Tuebingen
Classification: Likely benign. Last evaluated: 2022-08-01. Review status: criteria provided, single submitter. Criteria: CeGaT Center For Human Genetics Tuebingen Variant Classification Criteria Version 2. Collection method: clinical testing. Allele origin: germline. Affected: yes. Observed: 1 variant allele.
Comment: AEBP1: BP4, BP7

NM_001129.5(AEBP1):c.27G>A (p.Leu9=)

Gene: AEBP1 (AE binding protein 1; plus strand). Cytogenetic location: 7p13.
Variant type: single nucleotide variant.
Coding change: c.27G>A on transcript NM_001129.5 (MANE Select); coding-DNA position 27, G replaced by A.
Protein change: p.Leu9=; no amino-acid change (leucine 9 retained).
Molecular consequence: synonymous variant.
Genome position (GRCh38, 1-based): chr7:44,104,692, G>A. VCF-style: chr7-44104692-G-A. GRCh37 (hg19) VCF-style: chr7-44144291-G-A.
Identifiers: ClinVar variation 1711655 (VCV001711655.35), dbSNP rs575362804, ClinGen allele CA4237402.